The following is an entry in ClinVar:

ClinVar aggregate classification (germline): Likely pathogenic (1 of 4 stars; one submission).

Conditions:
Niemann-Pick disease, type A. Also called: Infantile Neurovisceral ASMD (Niemann-Pick Disease Type A; NPD-A); SPHINGOMYELIN LIPIDOSIS; SPHINGOMYELINASE DEFICIENCY. Identifiers: Orphanet 77292, MedGen C0268242, MONDO:0009756, OMIM 257200. Disease mechanism: loss of function.
Niemann-Pick disease, type B. Also called: Chronic Visceral ASMD (Niemann-Pick Disease Type B; NPD-B). Identifiers: Orphanet 77293, MedGen C0268243, MONDO:0011871, OMIM 607616. Disease mechanism: loss of function.

Submission:

Labcorp Genetics (formerly Invitae), Labcorp
Classification: Likely pathogenic for Niemann-Pick disease, type B; Niemann-Pick disease, type A. Last evaluated: 2022-11-08. Review status: criteria provided, single submitter. Criteria: Invitae Variant Classification Sherloc (09022015). Collection method: clinical testing. Allele origin: germline.
Comment: Advanced modeling of protein sequence and biophysical properties (such as structural, functional, and spatial information, amino acid conservation, physicochemical variation, residue mobility, and thermodynamic stability) performed at Invitae indicates that this missense variant is expected to disrupt SMPD1 protein function. This variant has not been reported in the literature in individuals affected with SMPD1-related conditions. This variant is not present in population databases (gnomAD no frequency). This sequence change replaces glycine, which is neutral and non-polar, with glutamic acid, which is acidic and polar, at codon 244 of the SMPD1 protein (p.Gly244Glu). In summary, the currently available evidence indicates that the variant is pathogenic, but additional data are needed to prove that conclusively. Therefore, this variant has been classified as Likely Pathogenic. This variant disrupts the p.Gly244 amino acid residue in SMPD1. Other variant(s) that disrupt this residue have been determined to be pathogenic (PMID: 1618760, 26981555). This suggests that this residue is clinically significant, and that variants that disrupt this residue are likely to be disease-causing.

Literature cited by the submitters: PubMed 1618760; PubMed 26981555.

NM_000543.5(SMPD1):c.731G>A (p.Gly244Glu)

Gene: SMPD1 (sphingomyelin phosphodiesterase 1; plus strand). Cytogenetic location: 11p15.4.
Variant type: single nucleotide variant.
Coding change: c.731G>A on transcript NM_000543.5 (MANE Select); coding-DNA position 731, G replaced by A.
Protein change: p.Gly244Glu; replaces glycine 244 with glutamic acid.
Molecular consequence: missense variant. On other transcripts: 5 prime UTR variant (1), non-coding transcript variant (1).
Genome position (GRCh38, 1-based): chr11:6,391,796, G>A. VCF-style: chr11-6391796-G-A. GRCh37 (hg19) VCF-style: chr11-6413026-G-A.
Other names: c.728G>A, p.Gly243Glu (NM_001007593.3); c.731G>A, p.Gly244Glu (NM_001318087.2, NM_001365135.2); c.-231G>A (NM_001318088.2); short protein forms G244E, G243E.
Identifiers: ClinVar variation 2931424 (VCV002931424.3), dbSNP rs2134011288, ClinGen allele CA379370892.